The following is an entry in ClinVar:

ClinVar aggregate classification (germline): Uncertain significance (1 of 4 stars; one submission).

Allele frequency attached by ClinVar (database versions not stated): gnomAD exomes below 0.00001.
gnomAD v4.1: 4 of 1,614,174 alleles (0.00025%); highest among the groups gnomAD compares: Non-Finnish European, 0.00034%; no homozygotes.

Submission:

GeneDx
Classification: Uncertain significance. Last evaluated: 2019-09-10. Review status: criteria provided, single submitter. Criteria: GeneDx Variant Classification Process June 2021. Collection method: clinical testing. Allele origin: germline. Affected: yes.
Comment: Not observed in large population cohorts (Lek et al., 2016); In silico analysis, which includes protein predictors and evolutionary conservation, supports a deleterious effect; Has not been previously published as pathogenic or benign to our knowledge

NM_000875.5(IGF1R):c.2756C>A (p.Pro919His)

Gene: IGF1R (insulin like growth factor 1 receptor; plus strand). Cytogenetic location: 15q26.3.
Variant type: single nucleotide variant.
Coding change: c.2756C>A on transcript NM_000875.5 (MANE Select); coding-DNA position 2756, C replaced by A.
Protein change: p.Pro919His; replaces proline 919 with histidine.
Molecular consequence: missense variant.
Genome position (GRCh38, 1-based): chr15:98,924,658, C>A. VCF-style: chr15-98924658-C-A. GRCh37 (hg19) VCF-style: chr15-99467887-C-A.
Other names: c.2756C>A, p.Pro919His (NM_001291858.2); short protein forms P919H.
Identifiers: ClinVar variation 1312097 (VCV001312097.2), dbSNP rs2015633715, ClinGen allele CA393682407.